The following is an entry in ClinVar:

NM_000256.3(MYBPC3):c.2955G>T (p.Lys985Asn)

Gene: MYBPC3 (myosin binding protein C3; minus strand). Cytogenetic location: 11p11.2.
Variant type: single nucleotide variant.
Coding change: c.2955G>T on transcript NM_000256.3 (MANE Select); coding-DNA position 2955, G replaced by T.
Protein change: p.Lys985Asn; replaces lysine 985 with asparagine.
Molecular consequence: missense variant.
Genome position (GRCh38, 1-based): chr11:47,333,961, C>A on the plus strand (G>T on the coding strand, the complement: MYBPC3 is on the minus strand). VCF-style: chr11-47333961-C-A. GRCh37 (hg19) VCF-style: chr11-47355512-C-A.
Other names: short protein forms K985N.
Identifiers: ClinVar variation 3073239 (VCV003073239.1), dbSNP rs2095879936, ClinGen allele CA380315890.

ClinVar aggregate classification (germline): Uncertain significance (1 of 4 stars; one submission).

Conditions:
Hypertrophic cardiomyopathy. Also called: HYPERTROPHIC MYOCARDIOPATHY. Identifiers: Orphanet 217569, MedGen C0007194, MeSH D002312, MONDO:0005045, HP:0001639.

Allele frequency attached by ClinVar (database versions not stated): gnomAD exomes below 0.00001; gnomAD 0.00001.
gnomAD v4.1: 2 of 1,585,134 alleles (0.00013%); highest among the groups gnomAD compares: Non-Finnish European, 0.00017%; no homozygotes.

Submission:

All of Us Research Program, National Institutes of Health
Classification: Uncertain significance for Hypertrophic cardiomyopathy. Last evaluated: 2023-09-17. Review status: criteria provided, single submitter. Criteria: ACMG Guidelines, 2015. Collection method: clinical testing. Allele origin: germline. Inheritance: Autosomal dominant inheritance. Observed: 2 variant alleles, 2 heterozygotes.
Comment: This missense variant replaces lysine with asparagine at codon 985 of the MYBPC3 protein. Computational prediction suggests that this variant may not impact protein structure and function (internally defined REVEL score threshold <= 0.5, PMID: 27666373). To our knowledge, functional studies have not been reported for this variant. This variant has been reported in individuals affected with hypertrophic cardiomyopathy (PMID: 36291626; doi:10.15829/1560-4071-2021-4673). This variant has not been identified in the general population by the Genome Aggregation Database (gnomAD). The available evidence is insufficient to determine the role of this variant in disease conclusively. Therefore, this variant is classified as a Variant of Uncertain Significance.

This study involves interpretation of variants in research participants for the purpose of population health screening. Participant phenotype was not available at the time of variant classification. Additional details can be found in publication PMID: 35346344, PMCID: PMC8962531

Literature cited by the submitters: PubMed 36291626.